The following is an entry in ClinVar:

ClinVar aggregate classification (germline): Uncertain significance (1 of 4 stars; one submission).

Conditions:
Neurofibromatosis, type 1 (NF1). Also called: VON RECKLINGHAUSEN DISEASE; Neurofibromatosis, type I; NEUROFIBROMATOSIS, TYPE I, SOMATIC; Peripheral type neurofibromatosis. Identifiers: Orphanet 636, MedGen C0027831, MONDO:0018975, OMIM 162200. Disease mechanism: loss of function.

Submission:

Labcorp Genetics (formerly Invitae), Labcorp
Classification: Uncertain significance for Neurofibromatosis, type 1. Last evaluated: 2025-12-31. Review status: criteria provided, single submitter. Criteria: Invitae Variant Classification Sherloc (09022015). Collection method: clinical testing. Allele origin: germline.
Comment: This sequence change replaces glycine, which is neutral and non-polar, with arginine, which is basic and polar, at codon 2790 of the NF1 protein (p.Gly2790Arg). This variant is not present in population databases (gnomAD no frequency). This variant has not been reported in the literature in individuals affected with NF1-related conditions. Invitae Evidence Modeling of protein sequence and biophysical properties (such as structural, functional, and spatial information, amino acid conservation, physicochemical variation, residue mobility, and thermodynamic stability) indicates that this missense variant is not expected to disrupt NF1 protein function with a negative predictive value of 95%. In summary, the available evidence is currently insufficient to determine the role of this variant in disease. Therefore, it has been classified as a Variant of Uncertain Significance.

NM_001042492.3(NF1):c.8431G>A (p.Gly2811Arg)

Gene: NF1 (neurofibromin 1; plus strand). Cytogenetic location: 17q11.2.
Variant type: single nucleotide variant.
Coding change: c.8431G>A on transcript NM_001042492.3 (MANE Select); coding-DNA position 8431, G replaced by A.
Protein change: p.Gly2811Arg; replaces glycine 2811 with arginine.
Molecular consequence: missense variant.
Genome position (GRCh38, 1-based): chr17:31,374,066, G>A. VCF-style: chr17-31374066-G-A. GRCh37 (hg19) VCF-style: chr17-29701084-G-A.
Other names: c.8368G>A, p.Gly2790Arg (NM_000267.4); short protein forms G2790R, G2811R.
Identifiers: ClinVar variation 4800818 (VCV004800818.1).
Genomic context (GRCh38, chr17:31,374,066, plus strand): 5'-TCTCCAGGAATCGACAAGGAGAACGTTGAACTCTCCCCTACCACTGGCCACTGTAACAGT[G>A]GACGAACTCGCCACGGATCCGCAAGCCAAGTGCAGAAGCAAAGAAGCGCTGGCAGTTTCA-3'
Protein context (NP_001035957.1, residues 2801-2821): LSPTTGHCNS[Gly2811Arg]RTRHGSASQV